The following is an entry in ClinVar:

NM_000023.4(SGCA):c.747+212C>T

Gene: SGCA (sarcoglycan alpha; plus strand). Cytogenetic location: 17q21.33.
Variant type: single nucleotide variant.
Coding change: c.747+212C>T on transcript NM_000023.4 (MANE Select); 212 bases into the intron after coding-DNA position 747, C replaced by T.
Molecular consequence: intron variant.
Genome position (GRCh38, 1-based): chr17:50,169,466, C>T. VCF-style: chr17-50169466-C-T. GRCh37 (hg19) VCF-style: chr17-48246827-C-T.
Other names: c.584+894C>T (NM_001135697.3).
Identifiers: ClinVar variation 670546 (VCV000670546.2), dbSNP rs2696295, ClinGen allele CA14405649.

ClinVar aggregate classification (germline): Benign. Review status: criteria provided, multiple submitters, no conflicts (2 of 4 stars). 2 submissions from 2 submitters: Benign (2). Last evaluated 2018-06-18.

Allele frequency attached by ClinVar (database versions not stated): 1000 Genomes Project 30x 0.48438; 1000 Genomes Project 0.48742; TOPMed 0.52753; gnomAD 0.53440.
gnomAD v4.1: 325,941 of 546,132 alleles (60%); highest among the groups gnomAD compares: Middle Eastern, 64%; 98,238 homozygotes.

Submissions (2):

GeneDx
Classification: Benign. Last evaluated: 2018-06-18. Review status: criteria provided, single submitter. Criteria: GeneDx Variant Classification (06012015). Collection method: clinical testing. Allele origin: germline. Affected: yes.
Comment: This variant is considered likely benign or benign based on one or more of the following criteria: it is a conservative change, it occurs at a poorly conserved position in the protein, it is predicted to be benign by multiple in silico algorithms, and/or has population frequency not consistent with disease.

Breakthrough Genomics
Classification: Benign. Review status: criteria provided, single submitter. Criteria: ACMG Guidelines, 2015. Collection method: not provided. Allele origin: germline. Inheritance: Autosomal recessive inheritance. Affected: yes.